The following is an entry in ClinVar:

ClinVar aggregate classification (germline): Pathogenic (1 of 4 stars; one submission).

Submission:

Labcorp Genetics (formerly Invitae), Labcorp
Classification: Pathogenic. Last evaluated: 2023-06-14. Review status: criteria provided, single submitter. Criteria: Invitae Variant Classification Sherloc (09022015). Collection method: clinical testing. Allele origin: germline.
Comment: This sequence change creates a premature translational stop signal (p.Ala1073Profs*4) in the ELP1 gene. It is expected to result in an absent or disrupted protein product. Loss-of-function variants in ELP1 are known to be pathogenic (PMID: 18303054, 24173031). This variant is not present in population databases (gnomAD no frequency). This variant has not been reported in the literature in individuals affected with ELP1-related conditions. For these reasons, this variant has been classified as Pathogenic.

Literature cited by the submitters: PubMed 18303054; PubMed 24173031.

NM_003640.5(ELP1):c.3216_3217del (p.Ala1073fs)

Gene: ELP1 (elongator acetyltransferase complex subunit 1; minus strand). Cytogenetic location: 9q31.3.
Variant type: Microsatellite.
Coding change: c.3216_3217del on transcript NM_003640.5 (MANE Select); coding-DNA positions 3216 to 3217, 2 bases deleted (TG; older notation c.3216_3217delTG).
Protein change: p.Ala1073fs; shifts the reading frame from alanine 1073.
Molecular consequence: frameshift variant.
Genome position (GRCh38, 1-based): chr9:108,889,337-108,889,338, CA deleted on the plus strand (TG on the coding strand, the reverse complement: ELP1 is on the minus strand); deleting any 2 consecutive bases within chr9:108,889,337-108,889,341 gives the same sequence; the c. name uses the placement nearest the transcript's 3' end. VCF-style (leftmost placement, unchanged base first): chr9-108889336-GCA-G. GRCh37 (hg19) VCF-style: chr9-111651616-GCA-G.
Other names: c.2169_2170del, p.Ala724fs (NM_001330749.2); c.2874_2875del, p.Ala959fs (NM_001318360.2); short protein forms A1073fs, A724fs, A959fs.
Identifiers: ClinVar variation 2715259 (VCV002715259.3), dbSNP rs2537875036, ClinGen allele CA2697557958.